The following is an entry in ClinVar:

NM_000540.3(RYR1):c.2361-4C>G

Gene: RYR1 (ryanodine receptor 1; plus strand). Cytogenetic location: 19q13.2.
Variant type: single nucleotide variant.
Coding change: c.2361-4C>G on transcript NM_000540.3 (MANE Select); 4 bases into the intron before coding-DNA position 2361, C replaced by G.
Molecular consequence: intron variant.
Genome position (GRCh38, 1-based): chr19:38,460,371, C>G. VCF-style: chr19-38460371-C-G. GRCh37 (hg19) VCF-style: chr19-38951011-C-G.
Other names: p.?; c.2361-4C>G (NM_001042723.2).
Identifiers: ClinVar variation 1567107 (VCV001567107.12), dbSNP rs753918895, ClinGen allele CA063183.
Genomic context (GRCh38, chr19:38,460,371, plus strand): 5'-CACTGACCACAGACTGTCCCCCATAACCTCCCCTCAATGATCCCCATTGTCCTTCCTTAC[C>G]CAGGGTGCGGTTCCTCCTTGGTGGCCGCCATGGTGAATTCAAGTTCCTGCCCCCACCTGG-3'

ClinVar aggregate classification (germline): Conflicting classifications of pathogenicity. Review status: criteria provided, conflicting classifications (1 of 4 stars). 3 submissions from 3 submitters: Uncertain significance (1); Likely benign (2). Last evaluated 2026-01-21.

Conditions:
RYR1-related disorder. Also called: RYR1-related condition; RYR1-related disorders. Identifiers: MedGen CN239331.

Allele frequency attached by ClinVar (database versions not stated): gnomAD 0.00001; gnomAD exomes 0.00001 and 0.00002; TOPMed 0.00001; ExAC 0.00002.
gnomAD v4.1: 12 of 1,613,868 alleles (0.00074%); highest among the groups gnomAD compares: Non-Finnish European, 0.001%; no homozygotes.

Submissions (3):

Labcorp Genetics (formerly Invitae), Labcorp
Classification: Likely benign for RYR1-related disorder. Last evaluated: 2026-01-21. Review status: criteria provided, single submitter. Criteria: Invitae Variant Classification Sherloc (09022015). Collection method: clinical testing. Allele origin: germline.

Mayo Clinic Laboratories, Mayo Clinic
Classification: Likely benign. Last evaluated: 2025-09-19. Review status: criteria provided, single submitter. Criteria: ACMG Guidelines, 2015. Collection method: clinical testing. Allele origin: germline. Observed: 1 variant allele.
Comment: BP4, BP7

Revvity Omics, Revvity
Classification: Uncertain significance. Last evaluated: 2022-03-15. Review status: criteria provided, single submitter. Criteria: ACMG Guidelines, 2015. Collection method: clinical testing. Allele origin: germline.